The following is an entry in ClinVar:

ClinVar aggregate classification (germline): Uncertain significance. Review status: criteria provided, multiple submitters, no conflicts (2 of 4 stars). 3 submissions from 3 submitters: Uncertain significance (3). Last evaluated 2025-07-31.

Conditions:
Mannose-binding lectin deficiency. Also called: MBP DEFICIENCY; MBL DEFICIENCY; MBL2 DEFICIENCY; LECTIN COMPLEMENT ACTIVATION PATHWAY, DEFECT IN, 1; Chronic infections, due to MBL deficiency. Identifiers: MedGen C3280586, MONDO:0013714, OMIM 614372.

Allele frequency attached by ClinVar (database versions not stated): gnomAD exomes below 0.00001 and 0.00001; TOPMed below 0.00001; ExAC 0.00003.

Submissions (3):

Ambry Genetics
Classification: Uncertain significance. Last evaluated: 2025-07-31. Review status: criteria provided, single submitter. Criteria: Ambry Variant Classification Scheme 2023. Collection method: clinical testing. Allele origin: germline.

CeGaT Center for Human Genetics Tuebingen
Classification: Uncertain significance. Last evaluated: 2024-03-01. Review status: criteria provided, single submitter. Criteria: CeGaT Center For Human Genetics Tuebingen Variant Classification Criteria Version 2. Collection method: clinical testing. Allele origin: germline. Affected: yes. Observed: 1 variant allele.
Comment: MBL2: PM2, BP4

Illumina Laboratory Services, Illumina
Classification: Uncertain significance for Mannose-binding lectin deficiency. Last evaluated: 2018-01-12. Review status: criteria provided, single submitter. Criteria: ICSL Variant Classification Criteria 13 December 2019. Collection method: clinical testing. Allele origin: germline.

NM_001378373.1(MBL2):c.733G>A (p.Glu245Lys)

Gene: MBL2 (mannose binding lectin 2; minus strand). Cytogenetic location: 10q21.1.
Variant type: single nucleotide variant.
Coding change: c.733G>A on transcript NM_001378373.1 (MANE Select); coding-DNA position 733, G replaced by A.
Protein change: p.Glu245Lys; replaces glutamic acid 245 with lysine.
Molecular consequence: missense variant.
Genome position (GRCh38, 1-based): chr10:52,768,151, C>T on the plus strand (G>A on the coding strand, the complement: MBL2 is on the minus strand). VCF-style: chr10-52768151-C-T. GRCh37 (hg19) VCF-style: chr10-54527911-C-T.
Other names: c.733G>A, p.Glu245Lys (NM_000242.3, NM_001378374.1); short protein forms E245K.
Identifiers: ClinVar variation 880013 (VCV000880013.26), dbSNP rs776003487, ClinGen allele CA5504258.
Genomic context (GRCh38, chr10:52,768,151, plus strand): 5'-GTGGGTTGCAGTAAAAAGACAAGGAGGGCCTGAGTGATATGACCCTTCAGATAGGGAACT[C>T]ACAGACGGCCAGATGGGAGGTGGAGCAGGGGACGTCATTCCACTGGCCATTTTTCAGTAG-3'
Protein context (NP_001365302.1, residues 235-248): PCSTSHLAVC[Glu245Lys]FPI